The following is an entry in ClinVar:

NM_004006.3(DMD):c.1288A>T (p.Arg430Ter)

Gene: DMD (dystrophin; minus strand). Cytogenetic location: Xp21.1.
Variant type: single nucleotide variant.
Coding change: c.1288A>T on transcript NM_004006.3 (MANE Select); coding-DNA position 1288, A replaced by T.
Protein change: p.Arg430Ter; replaces arginine 430 with a stop codon.
Molecular consequence: nonsense.
Genome position (GRCh38, 1-based): chrX:32,644,175, T>A on the plus strand (A>T on the coding strand, the complement: DMD is on the minus strand). VCF-style: chrX-32644175-T-A. GRCh37 (hg19) VCF-style: chrX-32662292-T-A.
Other names: c.1264A>T, p.Arg422Ter (NM_000109.4); c.1276A>T, p.Arg426Ter (NM_004009.3); c.919A>T, p.Arg307Ter (NM_004010.3); short protein forms R430*, R422*, R426*, R307*.
Identifiers: ClinVar variation 280633 (VCV000280633.2), dbSNP rs886041802, ClinGen allele CA10603477.

ClinVar aggregate classification (germline): Pathogenic (1 of 4 stars; one submission).

Submission:

GeneDx
Classification: Pathogenic. Last evaluated: 2016-06-01. Review status: criteria provided, single submitter. Criteria: GeneDx Variant Classification (06012015). Collection method: clinical testing. Allele origin: germline. Affected: yes.
Comment: The R430X pathogenic nonsense variant in the DMD gene is predicted to cause loss of normal protein function either through protein truncation or nonsense-mediated mRNA decay. The R430X variant was not observed in approximately 6,500 individuals of European and African American ancestry in the NHLBI Exome Sequencing Project, indicating it is not a common benign variant in these populations. Although R430X has not been reported previously to our knowledge, other nonsense variants in DMD have been reported in the Human Gene Mutation Database in association with dystrophinopathies (Stenson et al., 2014). Therefore, the presence of the R430X pathogenic variant is consistent with a diagnosis of a dystrophinopathy